The following is an entry in ClinVar:

ClinVar aggregate classification (germline): Uncertain significance. Review status: criteria provided, multiple submitters, no conflicts (2 of 4 stars). 3 submissions from 3 submitters: Uncertain significance (3). Last evaluated 2025-05-27.

Conditions:
Inborn genetic diseases. Identifiers: MedGen C0950123, MeSH D030342.
Nicolaides-Baraitser syndrome (NCBRS). Also called: SMARCA2-Related Nicolaides-Baraitser Syndrome; Intellectual disability-sparse hair-brachydactyly syndrome. Identifiers: Orphanet 3051, MedGen C1303073, MONDO:0011053, OMIM 601358.

Allele frequency attached by ClinVar (database versions not stated): gnomAD 0.00001 and 0.00003; TOPMed 0.00002; 1000 Genomes Project 30x 0.00016.
gnomAD v4.1: 19 of 1,107,398 alleles (0.0017%); highest among the groups gnomAD compares: East Asian, 0.04%; no homozygotes.

Submissions (3):

Labcorp Genetics (formerly Invitae), Labcorp
Classification: Uncertain significance. Last evaluated: 2025-05-27. Review status: criteria provided, single submitter. Criteria: Invitae Variant Classification Sherloc (09022015). Collection method: clinical testing. Allele origin: germline.
Comment: This sequence change replaces proline, which is neutral and non-polar, with glutamine, which is neutral and polar, at codon 297 of the SMARCA2 protein (p.Pro297Gln). This variant is not present in population databases (gnomAD no frequency). This missense change has been observed in individual(s) with neurodevelopmental disorder (PMID: 37500730). ClinVar contains an entry for this variant (Variation ID: 913315). Invitae Evidence Modeling of protein sequence and biophysical properties (such as structural, functional, and spatial information, amino acid conservation, physicochemical variation, residue mobility, and thermodynamic stability) indicates that this missense variant is not expected to disrupt SMARCA2 protein function with a negative predictive value of 80%. In summary, the available evidence is currently insufficient to determine the role of this variant in disease. Therefore, it has been classified as a Variant of Uncertain Significance.

Ambry Genetics
Classification: Uncertain significance for Inborn genetic diseases. Last evaluated: 2024-01-29. Review status: criteria provided, single submitter. Criteria: Ambry Variant Classification Scheme 2023. Collection method: clinical testing. Allele origin: germline.

Illumina Laboratory Services, Illumina
Classification: Uncertain significance for Nicolaides-Baraitser syndrome. Last evaluated: 2018-01-12. Review status: criteria provided, single submitter. Criteria: ICSL Variant Classification Criteria 13 December 2019. Collection method: clinical testing. Allele origin: germline.

Literature cited by the submitters: PubMed 37500730 (cited by Labcorp Genetics (formerly Invitae), Labcorp).

NM_003070.5(SMARCA2):c.890C>A (p.Pro297Gln)

Gene: SMARCA2 (SWI/SNF related BAF chromatin remodeling complex subunit ATPase 2; plus strand). Cytogenetic location: 9p24.3.
Variant type: single nucleotide variant.
Coding change: c.890C>A on transcript NM_003070.5 (MANE Select); coding-DNA position 890, C replaced by A.
Protein change: p.Pro297Gln; replaces proline 297 with glutamine.
Molecular consequence: missense variant.
Genome position (GRCh38, 1-based): chr9:2,047,328, C>A. VCF-style: chr9-2047328-C-A. GRCh37 (hg19) VCF-style: chr9-2047328-C-A.
Other names: c.890C>A, p.Pro297Gln (NM_001289396.2, NM_001289397.2, NM_139045.4); short protein forms P297Q.
Identifiers: ClinVar variation 913315 (VCV000913315.8), dbSNP rs1417006108, ClinGen allele CA372780893.